The following is an entry in ClinVar:

NM_001001563.5(TIMM50):c.809A>G (p.Asn270Ser)

Gene: TIMM50 (translocase of inner mitochondrial membrane 50; plus strand). Cytogenetic location: 19q13.2.
Variant type: single nucleotide variant.
Coding change: c.809A>G on transcript NM_001001563.5 (MANE Select); coding-DNA position 809, A replaced by G.
Protein change: p.Asn270Ser; replaces asparagine 270 with serine.
Molecular consequence: missense variant.
Genome position (GRCh38, 1-based): chr19:39,488,173, A>G. VCF-style: chr19-39488173-A-G. GRCh37 (hg19) VCF-style: chr19-39978813-A-G.
Other names: c.470A>G, p.Asn157Ser (NM_001329559.2); short protein forms N270S, N157S.
Identifiers: ClinVar variation 1936431 (VCV001936431.3), dbSNP rs200992676, ClinGen allele CA9431968.

ClinVar aggregate classification (germline): Uncertain significance. Review status: criteria provided, multiple submitters, no conflicts (2 of 4 stars). 2 submissions from 2 submitters: Uncertain significance (2). Last evaluated 2022-12-15.

Conditions:
Inborn genetic diseases. Identifiers: MedGen C0950123, MeSH D030342.

Allele frequency attached by ClinVar (database versions not stated): ExAC 0.00003; gnomAD exomes 0.00003; 1000 Genomes Project 30x 0.00047; 1000 Genomes Project 0.00060.

Submissions (2):

Ambry Genetics
Classification: Uncertain significance for Inborn genetic diseases. Last evaluated: 2022-12-15. Review status: criteria provided, single submitter. Criteria: Ambry Variant Classification Scheme 2023. Collection method: clinical testing. Allele origin: germline.

Labcorp Genetics (formerly Invitae), Labcorp
Classification: Uncertain significance. Last evaluated: 2022-05-24. Review status: criteria provided, single submitter. Criteria: Invitae Variant Classification Sherloc (09022015). Collection method: clinical testing. Allele origin: germline.
Comment: This sequence change replaces asparagine, which is neutral and polar, with serine, which is neutral and polar, at codon 373 of the TIMM50 protein (p.Asn373Ser). This variant is present in population databases (rs200992676, gnomAD 0.02%). This variant has not been reported in the literature in individuals affected with TIMM50-related conditions. Algorithms developed to predict the effect of missense changes on protein structure and function are either unavailable or do not agree on the potential impact of this missense change (SIFT: "Not Available"; PolyPhen-2: "Benign"; Align-GVGD: "Not Available"). In summary, the available evidence is currently insufficient to determine the role of this variant in disease. Therefore, it has been classified as a Variant of Uncertain Significance.